The following is an entry in ClinVar:

NM_019032.6(ADAMTSL4):c.2398G>A (p.Gly800Ser)

Gene: ADAMTSL4 (ADAMTS like 4; plus strand). Cytogenetic location: 1q21.2.
Variant type: single nucleotide variant.
Coding change: c.2398G>A on transcript NM_019032.6 (MANE Select); coding-DNA position 2398, G replaced by A.
Protein change: p.Gly800Ser; replaces glycine 800 with serine.
Molecular consequence: missense variant.
Genome position (GRCh38, 1-based): chr1:150,558,488, G>A. VCF-style: chr1-150558488-G-A. GRCh37 (hg19) VCF-style: chr1-150530964-G-A.
Other names: c.2281G>A, p.Gly761Ser (NM_001288607.2); c.2467G>A, p.Gly823Ser (NM_001288608.2); c.2398G>A, p.Gly800Ser (NM_001378596.1, NM_025008.5); short protein forms G761S, G800S, G823S.
Identifiers: ClinVar variation 1450539 (VCV001450539.3), dbSNP rs369746899, ClinGen allele CA1078665.

ClinVar aggregate classification (germline): Uncertain significance (1 of 4 stars; one submission).

Allele frequency attached by ClinVar (database versions not stated): ExAC 0.00005; gnomAD exomes 0.00006 and 0.00013; ESP Exome Variant Server 0.00008; TOPMed 0.00010; gnomAD 0.00013.
gnomAD v4.1: 210 of 1,613,542 alleles (0.013%); highest among the groups gnomAD compares: Non-Finnish European, 0.016%; no homozygotes.

Submission:

Labcorp Genetics (formerly Invitae), Labcorp
Classification: Uncertain significance. Last evaluated: 2022-07-19. Review status: criteria provided, single submitter. Criteria: Invitae Variant Classification Sherloc (09022015). Collection method: clinical testing. Allele origin: germline.
Comment: This sequence change replaces glycine, which is neutral and non-polar, with serine, which is neutral and polar, at codon 800 of the ADAMTSL4 protein (p.Gly800Ser). This variant is present in population databases (rs369746899, gnomAD 0.01%). This variant has not been reported in the literature in individuals affected with ADAMTSL4-related conditions. ClinVar contains an entry for this variant (Variation ID: 1450539). Algorithms developed to predict the effect of missense changes on protein structure and function (SIFT, PolyPhen-2, Align-GVGD) all suggest that this variant is likely to be disruptive. Algorithms developed to predict the effect of sequence changes on RNA splicing suggest that this variant may create or strengthen a splice site. In summary, the available evidence is currently insufficient to determine the role of this variant in disease. Therefore, it has been classified as a Variant of Uncertain Significance.